The following is an entry in ClinVar:

ClinVar aggregate classification (germline): Conflicting classifications of pathogenicity. Review status: criteria provided, conflicting classifications (1 of 4 stars). 5 submissions from 5 submitters: Uncertain significance (1); Likely benign (4). Last evaluated 2026-06-01.

Allele frequency attached by ClinVar (database versions not stated): gnomAD 0.00003; TOPMed 0.00010.
gnomAD v4.1: 92 of 1,611,330 alleles (0.0057%); highest among the groups gnomAD compares: Admixed American, 0.05%; no homozygotes.

Submissions (5):

CeGaT Center for Human Genetics Tuebingen
Classification: Likely benign. Last evaluated: 2026-06-01. Review status: criteria provided, single submitter. Criteria: CeGaT Center For Human Genetics Tuebingen Variant Classification Criteria Version 2. Collection method: clinical testing. Allele origin: germline. Affected: yes. Observed: 1 variant allele.
Comment: MCPH1: BP4, BP7

Labcorp Genetics (formerly Invitae), Labcorp
Classification: Likely benign. Last evaluated: 2026-01-28. Review status: criteria provided, single submitter. Criteria: Invitae Variant Classification Sherloc (09022015). Collection method: clinical testing. Allele origin: germline.

Blueprint Genetics
Classification: Likely benign. Last evaluated: 2024-06-28. Review status: criteria provided, single submitter. Criteria: ACMG Guidelines, 2015. Collection method: clinical testing. Allele origin: germline.

GeneDx
Classification: Likely benign. Last evaluated: 2016-12-27. Review status: criteria provided, single submitter. Criteria: GeneDx Variant Classification (06012015). Collection method: clinical testing. Allele origin: germline. Affected: yes.
Comment: This variant is considered likely benign or benign based on one or more of the following criteria: it is a conservative change, it occurs at a poorly conserved position in the protein, it is predicted to be benign by multiple in silico algorithms, and/or has population frequency not consistent with disease.

Eurofins Ntd Llc (ga)
Classification: Uncertain significance. Last evaluated: 2014-02-14. Review status: criteria provided, single submitter. Criteria: EGL Classification Definitions 2015. Collection method: clinical testing. Allele origin: germline. Observed: 1 variant allele, 1 heterozygote.

NM_024596.5(MCPH1):c.297C>T (p.His99=)

Gene: MCPH1 (microcephalin 1; plus strand). Cytogenetic location: 8p23.1.
Variant type: single nucleotide variant.
Coding change: c.297C>T on transcript NM_024596.5 (MANE Select); coding-DNA position 297, C replaced by T.
Protein change: p.His99=; no amino-acid change (histidine 99 retained).
Molecular consequence: synonymous variant. On other transcripts: non-coding transcript variant (1).
Genome position (GRCh38, 1-based): chr8:6,431,562, C>T. VCF-style: chr8-6431562-C-T. GRCh37 (hg19) VCF-style: chr8-6289083-C-T.
Other names: c.297C>T, p.His99= (NM_001172574.2, NM_001172575.2, NM_001322042.2 and 2 more transcripts); c.291C>T, p.His97= (NM_001322043.2); c.195C>T, p.His65= (NM_001322045.2).
Identifiers: ClinVar variation 167281 (VCV000167281.17), dbSNP rs727504012, ClinGen allele CA234253.